The following is an entry in ClinVar:

ClinVar aggregate classification (germline): Likely pathogenic (1 of 4 stars; one submission).

Allele frequency attached by ClinVar (database versions not stated): TOPMed below 0.00001; ExAC 0.00001; gnomAD 0.00001; gnomAD exomes 0.00001.
gnomAD v4.1: 12 of 1,614,026 alleles (0.00074%); highest among the groups gnomAD compares: Non-Finnish European, 0.00076%; no homozygotes.

Submission:

Labcorp Genetics (formerly Invitae), Labcorp
Classification: Likely pathogenic. Last evaluated: 2023-08-07. Review status: criteria provided, single submitter. Criteria: Invitae Variant Classification Sherloc (09022015). Collection method: clinical testing. Allele origin: germline.
Comment: Advanced modeling of protein sequence and biophysical properties (such as structural, functional, and spatial information, amino acid conservation, physicochemical variation, residue mobility, and thermodynamic stability) performed at Invitae indicates that this missense variant is expected to disrupt ABCA4 protein function. This sequence change replaces valine, which is neutral and non-polar, with isoleucine, which is neutral and non-polar, at codon 935 of the ABCA4 protein (p.Val935Ile). This variant is present in population databases (rs765769761, gnomAD no frequency). This variant has not been reported in the literature in individuals affected with ABCA4-related conditions. This variant disrupts the p.Val935 amino acid residue in ABCA4. Other variant(s) that disrupt this residue have been determined to be pathogenic (PMID: 11527935, 19074458, 29925512). This suggests that this residue is clinically significant, and that variants that disrupt this residue are likely to be disease-causing. In summary, the currently available evidence indicates that the variant is pathogenic, but additional data are needed to prove that conclusively. Therefore, this variant has been classified as Likely Pathogenic.

Literature cited by the submitters: PubMed 11527935; PubMed 19074458; PubMed 29925512.

NM_000350.3(ABCA4):c.2803G>A (p.Val935Ile)

Gene: ABCA4 (ATP binding cassette subfamily A member 4; minus strand). Cytogenetic location: 1p22.1.
Variant type: single nucleotide variant.
Coding change: c.2803G>A on transcript NM_000350.3 (MANE Select); coding-DNA position 2803, G replaced by A.
Protein change: p.Val935Ile; replaces valine 935 with isoleucine.
Molecular consequence: missense variant.
Genome position (GRCh38, 1-based): chr1:94,047,034, C>T on the plus strand (G>A on the coding strand, the complement: ABCA4 is on the minus strand). VCF-style: chr1-94047034-C-T. GRCh37 (hg19) VCF-style: chr1-94512590-C-T.
Other names: c.2581G>A, p.Val861Ile (NM_001425324.1); short protein forms V861I, V935I.
Identifiers: ClinVar variation 3005375 (VCV003005375.3), dbSNP rs765769761, ClinGen allele CA958149.